The following is an entry in ClinVar:

ClinVar aggregate classification (germline): Conflicting classifications of pathogenicity. Review status: criteria provided, conflicting classifications (1 of 4 stars). 14 submissions from 14 submitters: Pathogenic (4); Likely pathogenic (6); Uncertain significance (1). 3 of the submissions do not count toward it. Last evaluated 2026-01-26.

Conditions:
CNGB3-related disorder. Also called: CNGB3-related disorders; CNGB3-related condition. Identifiers: MedGen CN239340.
Retinal dystrophy. Also called: Inherited retinal dystrophy. Identifiers: Orphanet 71862, MedGen C0854723, MeSH D058499, MONDO:0019118, HP:0000556.
Achromatopsia. Also called: Rod monochromatism. Identifiers: Orphanet 49382, MedGen C0152200, MONDO:0018852, HP:0011516.
Achromatopsia 3 (ACHM3). Also called: ACHROMATOPSIA WITH MYOPIA; PINGELAPESE BLINDNESS; TOTAL COLORBLINDNESS WITH MYOPIA; ROD MONOCHROMACY 1; ROD MONOCHROMATISM 1. Identifiers: Orphanet 49382, MedGen C1849792, MONDO:0009875, OMIM 262300.

Allele frequency attached by ClinVar (database versions not stated): TOPMed 0.00002; gnomAD exomes 0.00004 and 0.00005; gnomAD 0.00005; ExAC 0.00006; ESP Exome Variant Server 0.00015.
gnomAD v4.1: 67 of 1,612,482 alleles (0.0042%); highest among the groups gnomAD compares: Middle Eastern, 0.083%; no homozygotes.

Submissions (14):

Labcorp Genetics (formerly Invitae), Labcorp
Classification: Pathogenic. Last evaluated: 2026-01-26. Review status: criteria provided, single submitter. Criteria: Invitae Variant Classification Sherloc (09022015). Collection method: clinical testing. Allele origin: germline.
Comment: This sequence change replaces serine, which is neutral and polar, with phenylalanine, which is neutral and non-polar, at codon 156 of the CNGB3 protein (p.Ser156Phe). This variant is present in population databases (rs139207764, gnomAD 0.04%). This missense change has been observed in individual(s) with achromatopsia (PMID: 15657609, 25616768, 28795510). In at least one individual the data is consistent with being in trans (on the opposite chromosome) from a pathogenic variant. ClinVar contains an entry for this variant (Variation ID: 427671). Invitae Evidence Modeling of protein sequence and biophysical properties (such as structural, functional, and spatial information, amino acid conservation, physicochemical variation, residue mobility, and thermodynamic stability) indicates that this missense variant is not expected to disrupt CNGB3 protein function with a negative predictive value of 95%. Experimental studies are conflicting or provide insufficient evidence to determine the effect of this variant on CNGB3 function (PMID: 26106334). For these reasons, this variant has been classified as Pathogenic.

Women's Health and Genetics/Laboratory Corporation of America, LabCorp
Classification: Pathogenic for Achromatopsia 3. Last evaluated: 2026-01-19. Review status: criteria provided, single submitter. Criteria: LabCorp Variant Classification Summary - May 2015. Collection method: clinical testing. Allele origin: germline.
Comment: Variant summary: CNGB3 c.467C>T (p.Ser156Phe) results in a non-conservative amino acid change in the encoded protein sequence. Algorithms developed to predict the effect of missense changes on protein structure and function are either unavailable or do not agree on the potential impact of this missense change. The variant allele was found at a frequency of 5.2e-05 in 251450 control chromosomes. This frequency is not significantly higher than estimated for disease-causing variants in CNGB3, allowing no conclusion about variant significance. c.467C>T has been observed in multiple individuals affected with Achromatopsia (example: Aweidah_2021, and Mayer_2017). These data indicate that the variant is very likely to be associated with disease. The following publications have been ascertained in the context of this evaluation (PMID: 34703197, 28795510). ClinVar contains an entry for this variant (Variation ID: 427671). Based on the evidence outlined above, the variant was classified as pathogenic.

Natera, Inc.
Classification: Likely pathogenic for Achromatopsia. Last evaluated: 2025-09-14. Review status: criteria provided, single submitter. Criteria: Natera Variant Classification Schema (03/2026). Collection method: clinical testing. Allele origin: germline.
Comment: The c.467C>T variant in CNGB3 is a missense variant predicted to cause substitution of serine to phenylalanine at amino acid 156. This variant is rare in the general population with a frequency below the threshold expected for the associated phenotype(s). This variant has been observed in one or more individuals affected with the associated recessive disease, as either homozygous or compound heterozygous with a second variant (PMID: 15657609, 37798099). Additionally, this variant has been observed to segregate in affected family members (PMID: 15657609). Computational prediction algorithms indicate this variant is likely to affect gene or protein function. Given the available evidence, this variant is classified as Likely Pathogenic.

Myriad Genetics, Inc.
Classification: Likely pathogenic for Achromatopsia 3. Last evaluated: 2025-06-06. Review status: criteria provided, single submitter. Criteria: Myriad Autosomal Dominant, Autosomal Recessive and X-Linked Classification Criteria (2023). Collection method: clinical testing. Allele origin: unknown.
Comment: NM_019098.4(CNGB3):c.467C>T(S156F) is a missense variant classified as likely pathogenic in the context of undefined. S156F has been observed in cases with relevant disease (PMID: 34703197, 25616768, 25205868, 31456290, 15657609, 28795510, 37798099). Relevant functional assessments of this variant are not available in the literature. S156F has not been observed in referenced population frequency databases. In summary, NM_019098.4(CNGB3):c.467C>T(S156F) is a missense variant that has been observed more frequently in cases with the relevant disease than in healthy populations. Please note: this variant was assessed in the context of healthy population screening.

Dasa
Classification: Pathogenic. Last evaluated: 2025-05-19. Review status: criteria provided, single submitter. Criteria: DASA Assertion Criteria. Collection method: clinical testing. Allele origin: germline.
Comment: NM_019098.5(CNGB3):c.467C>T (p.Ser156Phe) is a missense variant that results in the substitution of serine with phenylalanine. Segregation evidence has been reported in affected families. This variant has been observed in affected individuals with related phenotype in a genotype context consistent with recessive disease (PMID: 15657609; PMID: 25616768; PMID: 28795510). Functional evidence supports a deleterious effect on the gene or gene product (PMID: 15657609; PMID: 25616768; PMID: 28795510). This variant has been recurrently observed in individuals with related phenotype (PMID: 15657609; PMID: 25616768; PMID: 28795510). Multiple computational predictions support a deleterious effect on the gene or gene product. The variant is present at low frequency in population datasets. Based on the available data, this variant is classified as pathogenic.

GeneDx
Classification: Uncertain significance. Last evaluated: 2024-08-30. Review status: criteria provided, single submitter. Criteria: GeneDx Variant Classification Process June 2021. Collection method: clinical testing. Allele origin: germline. Affected: yes.
Comment: In silico analysis supports that this missense variant has a deleterious effect on protein structure/function; This variant is associated with the following publications: (PMID: 34426522, 26106334, 25616768, 31456290, 28795510, 15657609, 31964843)

Blueprint Genetics
Classification: Pathogenic for CNGB3-related disorders. Last evaluated: 2024-08-27. Review status: criteria provided, single submitter. Criteria: ACMG Guidelines, 2015. Collection method: clinical testing. Allele origin: germline. Affected: yes. Observed: 5 variant alleles.

Fulgent Genetics
Classification: Likely pathogenic for Achromatopsia 3. Last evaluated: 2024-02-23. Review status: criteria provided, single submitter. Criteria: ACMG Guidelines, 2015. Collection method: clinical testing. Allele origin: germline.

Department of Pathology and Laboratory Medicine, Sinai Health System
Classification: Likely pathogenic for Achromatopsia 3. Last evaluated: 2022-06-28. Review status: criteria provided, single submitter. Criteria: ACMG Guidelines, 2015. Collection method: research. Allele origin: germline.

Institute of Human Genetics, Univ. Regensburg, Univ. Regensburg
Classification: Likely pathogenic for Retinal dystrophy. Last evaluated: 2019-01-01. Review status: criteria provided, single submitter. Criteria: ACMG Guidelines, 2015. Collection method: clinical testing. Allele origin: germline. Affected: yes.

Illumina Laboratory Services, Illumina
Classification: Likely pathogenic for Achromatopsia 3. Last evaluated: 2018-12-14. Review status: criteria provided, single submitter. Criteria: ICSL Variant Classification Criteria 09 May 2019. Collection method: clinical testing. Allele origin: germline.
Comment: The CNGB3 c.467C>T (p.Ser156Phe) missense variant has been reported in three studies and identified in at least four unrelated compound heterozygotes, all affected with achromatopsia (Kohl et al. 2005; Zein et al. 2014; Zelinger et al. 2015). The variant was absent from 100 healthy controls but is reported at a frequency of 0.000394 in the Ashkenazi Jewish population in the Genome Aggregation Database. Meighan et al. (2015) performed functional studies using Xenopus oocytes and the p.Ser156Phe variant was found not to interfere with the formation of functional A3+B3 channels or to cause significant changes to CNG channel behavior compared to wild type. The variant is not found in a highly conserved region of the protein (Meighan et al. 2015). Based on the evidence, the p.Ser156Phe variant is classified as likely pathogenic for achromatopsia. This variant was observed by ICSL as part of a predisposition screen in an ostensibly healthy population.

Sharon lab, Hadassah-Hebrew University Medical Center
Classification: Likely pathogenic for achromatopsia. Last evaluated: 2019-06-23. Review status: no assertion criteria provided. Collection method: research. Allele origin: inherited. Affected: yes. Not counted in ClinVar's aggregate classification.

Counsyl
Classification: Uncertain significance for Achromatopsia 3. Last evaluated: 2017-11-03. Review status: no assertion criteria provided. Collection method: clinical testing. Allele origin: unknown. Not counted in ClinVar's aggregate classification.

Molecular Genetics Laboratory, Institute for Ophthalmic Research
Classification: Likely pathogenic for ACHM3. Last evaluated: 2017-03-27. Review status: no assertion criteria provided. Collection method: research. Allele origin: germline. Affected: yes. Not counted in ClinVar's aggregate classification.

Literature cited by the submitters: PubMed 15657609 (cited by 6 submitters); PubMed 25616768 (cited by 5 submitters); PubMed 28795510 (cited by 6 submitters); PubMed 26106334 (cited by 4 submitters); PubMed 34703197 (cited by Women's Health and Genetics/Laboratory Corporation of America, LabCorp and Myriad Genetics, Inc.); PubMed 37798099 (cited by Natera, Inc. and Myriad Genetics, Inc.); PubMed 25205868 (cited by Myriad Genetics, Inc. and Illumina Laboratory Services, Illumina); PubMed 31456290 (cited by Myriad Genetics, Inc. and Institute of Human Genetics, Univ. Regensburg, Univ. Regensburg); PubMed 31964843 (cited by Institute of Human Genetics, Univ. Regensburg, Univ. Regensburg); PubMed 34426522 (cited by Institute of Human Genetics, Univ. Regensburg, Univ. Regensburg).

NM_019098.5(CNGB3):c.467C>T (p.Ser156Phe)

Gene: CNGB3 (cyclic nucleotide gated channel subunit beta 3; minus strand). Cytogenetic location: 8q21.3.
Variant type: single nucleotide variant.
Coding change: c.467C>T on transcript NM_019098.5 (MANE Select); coding-DNA position 467, C replaced by T.
Protein change: p.Ser156Phe; replaces serine 156 with phenylalanine.
Molecular consequence: missense variant.
Genome position (GRCh38, 1-based): chr8:86,670,970, G>A on the plus strand (C>T on the coding strand, the complement: CNGB3 is on the minus strand). VCF-style: chr8-86670970-G-A. GRCh37 (hg19) VCF-style: chr8-87683198-G-A.
Other names: short protein forms S156F.
Identifiers: ClinVar variation 427671 (VCV000427671.26), dbSNP rs139207764, ClinGen allele CA4800394.
Genomic context (GRCh38, chr8:86,670,970, plus strand): 5'-TTTCTTCCCAGTACTTGGAGGGAGCAATGCTTACCAGTTTGTGGGCTGGCTTCGGGTGAG[G>A]AGAGATCTCCCTCTACCAACTTTTTCTTGTAGAGGGCTGTTCTTTGACGCATTCTTTTCA-3'
Protein context (NP_061971.3, residues 146-166): YKKKLVEGDL[Ser156Phe]SPEASPQTAK